The following is an entry in ClinVar:

ClinVar aggregate classification (germline): Uncertain significance. Review status: criteria provided, multiple submitters, no conflicts (2 of 4 stars). 2 submissions from 2 submitters: Uncertain significance (2). Last evaluated 2025-01-08.
ClinVar aggregate classification (oncogenicity): Uncertain significance (1 of 4 stars; one submission).

Conditions:
Neuroblastoma, susceptibility to, 3. Also called: ALK-Related Neuroblastic Tumor Susceptibility. Identifiers: Orphanet 635, MedGen C2751681, MONDO:0013083, OMIM 613014.
Neoplasm. Also called: tumor; Neoplasms; Neoplasm (disease). Identifiers: MedGen C0027651, MeSH D009369, MONDO:0005070, HP:0002664.

Submissions (3):

Center for Genomic Medicine, Rigshospitalet, Copenhagen University Hospital
Classification: Uncertain significance for Neoplasm. Last evaluated: 2025-03-04. Review status: criteria provided, single submitter. Criteria: ClinGen/CGC/VICC Guidelines for Oncogenicity, 2022. Collection method: clinical testing. Allele origin: somatic. Affected: yes.

Labcorp Genetics (formerly Invitae), Labcorp
Classification: Uncertain significance for Neuroblastoma, susceptibility to, 3. Last evaluated: 2025-01-08. Review status: criteria provided, single submitter. Criteria: Invitae Variant Classification Sherloc (09022015). Collection method: clinical testing. Allele origin: germline.
Comment: This sequence change replaces alanine, which is neutral and non-polar, with valine, which is neutral and non-polar, at codon 161 of the ALK protein (p.Ala161Val). This variant is not present in population databases (gnomAD no frequency). This variant has not been reported in the literature in individuals affected with ALK-related conditions. ClinVar contains an entry for this variant (Variation ID: 2728241). An algorithm developed to predict the effect of missense changes on protein structure and function outputs the following: PolyPhen-2: "Benign". The valine amino acid residue is found in multiple mammalian species, which suggests that this missense change does not adversely affect protein function. In summary, the available evidence is currently insufficient to determine the role of this variant in disease. Therefore, it has been classified as a Variant of Uncertain Significance.

GeneDx
Classification: Uncertain significance. Last evaluated: 2023-07-26. Review status: criteria provided, single submitter. Criteria: GeneDx Variant Classification Process June 2021. Collection method: clinical testing. Allele origin: germline. Affected: yes.
Comment: Not observed at significant frequency in large population cohorts (gnomAD); In silico analysis supports that this missense variant does not alter protein structure/function; Has not been previously published as pathogenic or benign to our knowledge

NM_004304.5(ALK):c.482C>T (p.Ala161Val)

Gene: ALK (ALK receptor tyrosine kinase; minus strand). Cytogenetic location: 2p23.1.
Variant type: single nucleotide variant.
Coding change: c.482C>T on transcript NM_004304.5 (MANE Select); coding-DNA position 482, C replaced by T.
Protein change: p.Ala161Val; replaces alanine 161 with valine.
Molecular consequence: missense variant.
Genome position (GRCh38, 1-based): chr2:29,920,178, G>A on the plus strand (C>T on the coding strand, the complement: ALK is on the minus strand). VCF-style: chr2-29920178-G-A. GRCh37 (hg19) VCF-style: chr2-30143044-G-A.
Other names: c.482C>T (NM_004304.4); short protein forms A161V.
Identifiers: ClinVar variation 2728241 (VCV002728241.6), dbSNP rs2148443167, ClinGen allele CA346589960.